The following is an entry in ClinVar:

NM_000152.5(GAA):c.1627T>G (p.Tyr543Asp)

Gene: GAA (alpha glucosidase; plus strand). Cytogenetic location: 17q25.3.
Variant type: single nucleotide variant.
Coding change: c.1627T>G on transcript NM_000152.5 (MANE Select); coding-DNA position 1627, T replaced by G.
Protein change: p.Tyr543Asp; replaces tyrosine 543 with aspartic acid.
Molecular consequence: missense variant.
Genome position (GRCh38, 1-based): chr17:80,111,016, T>G. VCF-style: chr17-80111016-T-G. GRCh37 (hg19) VCF-style: chr17-78084815-T-G.
Other names: c.1627T>G, p.Tyr543Asp (NM_001079803.3, NM_001079804.3, NM_001406741.1 and 1 more transcripts); short protein forms Y543D.
Identifiers: ClinVar variation 4876336 (VCV004876336.1).

ClinVar aggregate classification (germline): Uncertain significance (1 of 4 stars; one submission).

Conditions:
Glycogen storage disease, type II (IOPD). Also called: Pompe Disease; CARDIOMEGALIA GLYCOGENICA DIFFUSA; GLYCOGENOSIS, GENERALIZED, CARDIAC FORM; GSD II; POMPE DISEASE, INFANTILE-ONSET; GLYCOGEN STORAGE DISEASE II, INFANTILE-ONSET. Identifiers: Orphanet 365, MedGen C0017921, MONDO:0009290, OMIM 232300.

Submission:

Genomenon, Inc
Classification: Uncertain significance for Glycogen storage disease, type II. Last evaluated: 2026-07-01. Review status: criteria provided, single submitter. Criteria: Genomenon Sequence Variant Interpretation Standards - Updated. Collection method: curation. Allele origin: germline. Affected: yes.
Comment: GAA p.Tyr543Asp (c.1627T>G) is a missense variant that changes the amino acid at codon 543 from Tyrosine to Aspartic acid. This variant has been observed in at least one proband with a GAA-related disorder (PMID:28265479). It is absent or not present at a significant frequency in gnomAD. In silico models predict that this variant is possibly or probably damaging. In conclusion, we classify GAA p.Tyr543Asp (c.1627T>G) as a variant of uncertain significance.

Literature cited by the submitters: PubMed 28265479.